The following is an entry in ClinVar:

ClinVar aggregate classification (germline): Uncertain significance (1 of 4 stars; one submission).

Conditions:
Developmental and epileptic encephalopathy 103 (DEE103). Identifiers: MedGen C5677002, MONDO:0030957, OMIM 619913.

Submission:

3billion
Classification: Uncertain significance for Developmental and epileptic encephalopathy 103. Last evaluated: 2025-06-25. Review status: criteria provided, single submitter. Criteria: ACMG Guidelines, 2015. Collection method: clinical testing. Allele origin: germline. Affected: yes.
Comment: The variant is not observed in the gnomAD v4.1.0 dataset. Predicted Consequence/Location: Missense variant. Missense changes are a common disease-causing mechanism. Damaging effect on gene or gene product predicted by in silico programs is uncertain [REVEL: 0.40 (damaging >=0.6, benign <0.4), 3Cnet: 0.13 (damaging >0.75, benign <0.1)]. Therefore, this variant is classified as VUS according to the recommendation of ACMG/AMP guideline.

NM_139137.4(KCNC2):c.1643G>A (p.Ser548Asn)

Gene: KCNC2 (potassium voltage-gated channel subfamily C member 2; minus strand). Cytogenetic location: 12q21.1.
Variant type: single nucleotide variant.
Coding change: c.1643G>A on transcript NM_139137.4 (MANE Select); coding-DNA position 1643, G replaced by A.
Protein change: p.Ser548Asn; replaces serine 548 with asparagine.
Molecular consequence: missense variant. On other transcripts: non-coding transcript variant (2), intron variant (6).
Genome position (GRCh38, 1-based): chr12:75,048,290, C>T on the plus strand (G>A on the coding strand, the complement: KCNC2 is on the minus strand). VCF-style: chr12-75048290-C-T. GRCh37 (hg19) VCF-style: chr12-75442070-C-T.
Other names: c.1747G>A, p.Val583Met (NM_001414206.1, NM_001414213.1, NM_001414202.1); c.1643G>A, p.Ser548Asn (NM_139136.4, NM_001260497.2, NM_001260498.2 and 4 more transcripts); c.1615+2100G>A (NM_001414199.1, NM_153748.3, NM_001260499.2); c.1616-24G>A (NM_001414194.1, NM_001414198.1); c.1762+1552G>A (NM_001414197.1); short protein forms S548N, V583M.
Identifiers: ClinVar variation 4855241 (VCV004855241.1).